The following is an entry in ClinVar:

NM_138711.6(PPARG):c.693G>C (p.Ala231=)

Genes: PPARG (peroxisome proliferator activated receptor gamma; plus strand), LOC114803475 (PPARG eExon liver enhancer; plus strand). Cytogenetic location: 3p25.2.
Variant type: single nucleotide variant.
Coding change: c.693G>C on transcript NM_138711.6 (MANE Select); coding-DNA position 693, G replaced by C.
Protein change: p.Ala231=; no amino-acid change (alanine 231 retained).
Molecular consequence: synonymous variant. On other transcripts: intron variant (2).
Genome position (GRCh38, 1-based): chr3:12,406,045, G>C. VCF-style: chr3-12406045-G-C. GRCh37 (hg19) VCF-style: chr3-12447544-G-C.
Other names: c.693G>C, p.Ala231= (NM_001330615.4, NM_001354666.3, NM_001354667.3 and 6 more transcripts); c.783G>C, p.Ala261= (NM_001354668.2, NM_001374265.1, NM_015869.5); c.699G>C, p.Ala233= (NM_001354670.2); c.103-10659G>C (NM_001354669.2); c.653+46G>C (NM_001374266.1).
Identifiers: ClinVar variation 3054277 (VCV003054277.3), dbSNP rs770030248, ClinGen allele CA2258239.

ClinVar aggregate classification (germline): Likely benign. Review status: criteria provided, single submitter (1 of 4 stars). 2 submissions from 2 submitters: Likely benign (1). 1 of the submissions does not count toward it. Last evaluated 2025-03-27.

Conditions:
PPARG-related disorder. Also called: PPARG-related disorders; PPARG-related condition.

gnomAD v4.1: 17 of 1,614,032 alleles (0.0011%); highest among the groups gnomAD compares: South Asian, 0.019%; 1 homozygote.

Submissions (2):

Labcorp Genetics (formerly Invitae), Labcorp
Classification: Likely benign. Last evaluated: 2025-03-27. Review status: criteria provided, single submitter. Criteria: Invitae Variant Classification Sherloc (09022015). Collection method: clinical testing. Allele origin: germline.

PreventionGenetics, part of Exact Sciences
Classification: Likely benign for PPARG-related condition. Last evaluated: 2022-06-24. Review status: no assertion criteria provided. Collection method: clinical testing. Allele origin: germline. Not counted in ClinVar's aggregate classification.
Comment: This variant is classified as likely benign based on ACMG/AMP sequence variant interpretation guidelines (Richards et al. 2015 PMID: 25741868, with internal and published modifications).